The following is an entry in ClinVar:

ClinVar aggregate classification (germline): Uncertain significance (1 of 4 stars; one submission).

Conditions:
Dilated cardiomyopathy 1W (CMD1W). Identifiers: Orphanet 154, MedGen C1969639, MONDO:0012667, OMIM 611407.

Allele frequency attached by ClinVar (database versions not stated): gnomAD exomes below 0.00001.
gnomAD v4.1: 1 of 1,614,198 alleles (0.000062%); no homozygotes.

Submission:

Labcorp Genetics (formerly Invitae), Labcorp
Classification: Uncertain significance for Dilated cardiomyopathy 1W. Last evaluated: 2021-07-28. Review status: criteria provided, single submitter. Criteria: Invitae Variant Classification Sherloc (09022015). Collection method: clinical testing. Allele origin: germline.
Comment: This sequence change replaces aspartic acid with asparagine at codon 546 of the VCL protein (p.Asp546Asn). The aspartic acid residue is highly conserved and there is a small physicochemical difference between aspartic acid and asparagine. This variant is not present in population databases (ExAC no frequency). This variant has not been reported in the literature in individuals affected with VCL-related conditions. Algorithms developed to predict the effect of missense changes on protein structure and function are either unavailable or do not agree on the potential impact of this missense change (SIFT: "Not Available"; PolyPhen-2: "Possibly Damaging"; Align-GVGD: "Not Available"). In summary, the available evidence is currently insufficient to determine the role of this variant in disease. Therefore, it has been classified as a Variant of Uncertain Significance.

NM_014000.3(VCL):c.1636G>A (p.Asp546Asn)

Gene: VCL (vinculin; plus strand). Cytogenetic location: 10q22.2.
Variant type: single nucleotide variant.
Coding change: c.1636G>A on transcript NM_014000.3 (MANE Select); coding-DNA position 1636, G replaced by A.
Protein change: p.Asp546Asn; replaces aspartic acid 546 with asparagine.
Molecular consequence: missense variant.
Genome position (GRCh38, 1-based): chr10:74,095,748, G>A. VCF-style: chr10-74095748-G-A. GRCh37 (hg19) VCF-style: chr10-75855506-G-A.
Other names: c.1636G>A, p.Asp546Asn (NM_003373.4); short protein forms D546N.
Identifiers: ClinVar variation 1355353 (VCV001355353.6), dbSNP rs1207840535, ClinGen allele CA377274730.
Genomic context (GRCh38, chr10:74,095,748, plus strand): 5'-GGGCATCGTCTGGCTAATGTTATGATGGGGCCTTATCGGCAAGATCTTCTCGCCAAGTGT[G>A]ACCGAGTGGACCAGCTGACAGCCCAGCTGGCTGACCTGGCTGCCAGAGGGGAAGGGGAGA-3'
Protein context (NP_054706.1, residues 536-556): PYRQDLLAKC[Asp546Asn]RVDQLTAQLA